The following is an entry in ClinVar:

ClinVar aggregate classification (germline): Likely benign. Review status: criteria provided, multiple submitters, no conflicts (2 of 4 stars). 2 submissions from 2 submitters: Likely benign (2). Last evaluated 2026-04-07.

Conditions:
DST-related disorder. Also called: DST-related disorders; DST-related condition.
Epidermolysis bullosa simplex 3, localized or generalized intermediate, with BP230 deficiency (EBS3). Also called: Epidermolysis bullosa simplex, autosomal recessive 2; Epidermolysis bullosa simplex due to BP230 deficiency. Identifiers: Orphanet 412181, MedGen C3809470, MONDO:0014180, OMIM 615425.
Hereditary sensory and autonomic neuropathy type 6. Also called: HSAN VI; Neuropathy, hereditary sensory and autonomic, type VI. Identifiers: Orphanet 314381, MedGen C3539003, MONDO:0013839, OMIM 614653.

Allele frequency attached by ClinVar (database versions not stated): gnomAD 0.00001 and 0.00002; TOPMed 0.00001; ExAC 0.00002; gnomAD exomes 0.00002.
gnomAD v4.1: 87 of 1,614,074 alleles (0.0054%); highest among the groups gnomAD compares: Non-Finnish European, 0.0073%; no homozygotes.

Submissions (2):

PreventionGenetics, part of Exact Sciences
Classification: Likely benign for DST-related condition. Last evaluated: 2026-04-07. Review status: criteria provided, single submitter. Criteria: ACMG Guidelines, 2015. Collection method: clinical testing. Allele origin: germline.
Comment: This variant is classified as likely benign based on ACMG/AMP sequence variant interpretation guidelines (Richards et al. 2015 PMID: 25741868, with internal and published modifications).

Labcorp Genetics (formerly Invitae), Labcorp
Classification: Likely benign for Epidermolysis bullosa simplex 3, localized or generalized intermediate, with BP230 deficiency; Hereditary sensory and autonomic neuropathy type 6. Last evaluated: 2024-03-24. Review status: criteria provided, single submitter. Criteria: Invitae Variant Classification Sherloc (09022015). Collection method: clinical testing. Allele origin: germline.

NM_001723.7(DST):c.6672A>G (p.Thr2224=)

Gene: DST (dystonin; minus strand). Cytogenetic location: 6p12.1.
Variant type: single nucleotide variant.
Coding change: c.6672A>G on transcript NM_001723.7 (MANE Plus Clinical); coding-DNA position 6672, A replaced by G.
Protein change: p.Thr2224=; no amino-acid change (threonine 2224 retained).
Molecular consequence: synonymous variant. On other transcripts: intron variant (10).
Genome position (GRCh38, 1-based): chr6:56,616,795, T>C on the plus strand (A>G on the coding strand, the complement: DST is on the minus strand). VCF-style: chr6-56616795-T-C. GRCh37 (hg19) VCF-style: chr6-56481593-T-C.
Other names: c.4831-2311A>G (NM_001144769.5); c.4930-2311A>G (NM_001374722.1, NM_001374736.1); c.4957-2311A>G (NM_001374734.1); c.4417-2311A>G (NM_001144770.2); c.4297-2311A>G (NM_001374730.1, NM_001386100.1, NM_183380.4 and 1 more transcripts); c.3319-2311A>G (NM_015548.5); c.6672A>G (NM_001723.5).
Identifiers: ClinVar variation 1545288 (VCV001545288.9), dbSNP rs761923573, ClinGen allele CA3870117.